The following is an entry in ClinVar:

NM_000051.4(ATM):c.4315C>G (p.Leu1439Val)

Gene: ATM (ATM serine/threonine kinase; plus strand). Cytogenetic location: 11q22.3.
Variant type: single nucleotide variant.
Coding change: c.4315C>G on transcript NM_000051.4 (MANE Select); coding-DNA position 4315, C replaced by G.
Protein change: p.Leu1439Val; replaces leucine 1439 with valine.
Molecular consequence: missense variant.
Genome position (GRCh38, 1-based): chr11:108,289,680, C>G. VCF-style: chr11-108289680-C-G. GRCh37 (hg19) VCF-style: chr11-108160407-C-G.
Other names: c.4315C>G, p.Leu1439Val (NM_001351834.2); short protein forms L1439V.
Identifiers: ClinVar variation 824785 (VCV000824785.6), dbSNP rs1591663019, ClinGen allele CA382531763.
Genomic context (GRCh38, chr11:108,289,680, plus strand): 5'-CTTCTTGCCATATGTGAGCAAGCAGCTGAAACAAATAATGTTTATAAGAAGCACAGAATT[C>G]TTAAAATATATCACCTGTTTGTTAGTTTATTACTGAAAGATATAAAAAGTGGCTTAGGAG-3'
Protein context (NP_000042.3, residues 1429-1449): TNNVYKKHRI[Leu1439Val]KIYHLFVSLL

ClinVar aggregate classification (germline): Uncertain significance. Review status: criteria provided, multiple submitters, no conflicts (2 of 4 stars). 2 submissions from 2 submitters: Uncertain significance (2). Last evaluated 2025-03-04.

Conditions:
Hereditary cancer-predisposing syndrome. Also called: Neoplastic Syndromes, Hereditary; Tumor predisposition; Hereditary neoplastic syndrome; Hereditary Cancer Syndrome. Identifiers: Orphanet 140162, MedGen C0027672, MeSH D009386, MONDO:0015356.

Submissions (2):

Center for Genomic Medicine, Rigshospitalet, Copenhagen University Hospital
Classification: Uncertain significance. Last evaluated: 2025-03-04. Review status: criteria provided, single submitter. Criteria: ACMG Guidelines, 2015. Collection method: clinical testing. Allele origin: germline.
Comment: Classification criteria: PM2_supporting, BP4

Ambry Genetics
Classification: Uncertain significance for Hereditary cancer-predisposing syndrome. Last evaluated: 2024-09-10. Review status: criteria provided, single submitter. Criteria: Ambry Variant Classification Scheme 2023. Collection method: clinical testing. Allele origin: germline.
Comment: The p.L1439V variant (also known as c.4315C>G), located in coding exon 28 of the ATM gene, results from a C to G substitution at nucleotide position 4315. The leucine at codon 1439 is replaced by valine, an amino acid with highly similar properties. This amino acid position is well conserved in available vertebrate species. In addition, this alteration is predicted to be tolerated by in silico analysis. Based on the available evidence, the clinical significance of this variant remains unclear.